The following is an entry in ClinVar:

NC_000003.11:g.(?_81640178)_(81643184_?)dup

Gene: GBE1 (1,4-alpha-glucan branching enzyme 1; minus strand). Cytogenetic location: 3p12.2.
Variant type: Duplication.
Identifiers: ClinVar variation 2422495 (VCV002422495.3).

ClinVar aggregate classification (germline): Likely pathogenic (1 of 4 stars; one submission).

Conditions:
Glycogen storage disease, type IV (GSD4). Also called: AMYLOPECTINOSIS; ANDERSEN DISEASE; BRANCHER DEFICIENCY; CIRRHOSIS, FAMILIAL, WITH DEPOSITION OF ABNORMAL GLYCOGEN; Glycogen storage disease due to glycogen branching enzyme deficiency; GBE1 DEFICIENCY. Identifiers: Orphanet 367, MedGen C0017923, MONDO:0009292, OMIM 232500.
Glycogen storage disease IV, classic hepatic. Also called: GSD IV, CLASSIC HEPATIC. Identifiers: MedGen C1856301.

Submission:

Labcorp Genetics (formerly Invitae), Labcorp
Classification: Likely pathogenic for Glycogen storage disease, type IV; Glycogen storage disease IV, classic hepatic. Last evaluated: 2022-06-29. Review status: criteria provided, single submitter. Criteria: Invitae Variant Classification Sherloc (09022015). Collection method: clinical testing. Allele origin: germline.
Comment: In summary, the currently available evidence indicates that the variant is pathogenic, but additional data are needed to prove that conclusively. Therefore, this variant has been classified as Likely Pathogenic. This variant has not been reported in the literature in individuals affected with GBE1-related conditions. This variant results in a copy number gain of the genomic region encompassing exon(s) 8-9 of the GBE1 gene. While the exact position of this variant cannot be determined from the data, sub-genic copy number gains are generally in tandem (PMID: 25640679). This variant is predicted to be out-of-frame, and may result in an absent or disrupted protein product. Loss-of-function variants in GBE1 are known to be pathogenic (PMID: 15452297, 20058079).

Literature cited by the submitters: PubMed 25640679; PubMed 15452297; PubMed 20058079.